The following is an entry in ClinVar:

NM_006949.4(STXBP2):c.193C>T (p.Arg65Trp)

Gene: STXBP2 (syntaxin binding protein 2; plus strand). Cytogenetic location: 19p13.2.
Variant type: single nucleotide variant.
Coding change: c.193C>T on transcript NM_006949.4 (MANE Select); coding-DNA position 193, C replaced by T.
Protein change: p.Arg65Trp; replaces arginine 65 with tryptophan.
Molecular consequence: missense variant. On other transcripts: non-coding transcript variant (1).
Genome position (GRCh38, 1-based): chr19:7,639,754, C>T. VCF-style: chr19-7639754-C-T. GRCh37 (hg19) VCF-style: chr19-7704640-C-T.
Other names: c.193C>T, p.Arg65Trp (NM_001127396.3, NM_001272034.2); short protein forms R65W.
Identifiers: ClinVar variation 1299417 (VCV001299417.2), dbSNP rs758188545, ClinGen allele CA403155529.

ClinVar aggregate classification (germline): not provided (0 of 4 stars; one submission).

Conditions:
Familial hemophagocytic lymphohistiocytosis 5. Also called: STXBP2-Related Familial Hemophagocytic Lymphohistiocytosis (STXBP2-fHLH). Identifiers: Orphanet 540, MedGen C2751293, MONDO:0013135, OMIM 613101.

Allele frequency attached by ClinVar (database versions not stated): gnomAD 0.00001.
gnomAD v4.1: 3 of 1,613,424 alleles (0.00019%); highest among the groups gnomAD compares: Non-Finnish European, 0.00025%; no homozygotes.

Submission:

GeneReviews
No classification provided. Condition: Familial hemophagocytic lymphohistiocytosis 5. Review status: no classification provided. Collection method: literature only. Allele origin: germline.
Comment: Dominant-negative variant assoc w/late-onset fHLH [Spessott et al 2015]

Literature cited by the submitters: PubMed 25564401.